The following is an entry in ClinVar:

ClinVar aggregate classification (germline): Pathogenic/Likely pathogenic. Review status: criteria provided, multiple submitters, no conflicts (2 of 4 stars). 16 submissions from 16 submitters: Pathogenic (11); Likely pathogenic (2). 3 of the submissions do not count toward it. Last evaluated 2026-09-03.

Conditions:
Gastric cancer. Also called: Malignant tumor of stomach; Stomach cancer. Identifiers: MedGen C0024623, MeSH D013274, MONDO:0001056, OMIM 613659, HP:0012126.
Hereditary cancer-predisposing syndrome. Also called: Neoplastic Syndromes, Hereditary; Hereditary neoplastic syndrome; Tumor predisposition; Hereditary Cancer Syndrome. Identifiers: Orphanet 140162, MedGen C0027672, MeSH D009386, MONDO:0015356.
Inherited breast cancer and ovarian cancer.
Breast and/or ovarian cancer. Identifiers: MedGen CN221562.
Familial cancer of breast. Also called: hereditary breast carcinoma; Hereditary breast cancer; BREAST CANCER, FAMILIAL. Identifiers: Orphanet 227535, MedGen C0346153, MONDO:0016419, OMIM 114480. Disease mechanism: loss of function.
Ataxia-telangiectasia syndrome (AT). Also called: Ataxia telangiectasia (A-T); Cerebello-oculocutaneous telangiectasia; Immunodeficiency with ataxia telangiectasia; LOUIS-BAR SYNDROME; AT, COMPLEMENTATION GROUP C; ATAXIA-TELANGIECTASIA, FRESNO VARIANT. Identifiers: Orphanet 100, MedGen C0004135, MONDO:0008840, OMIM 208900.

Submissions 1 to 11 of 16:

Cambridge Genomics Laboratory, East Genomic Laboratory Hub, NHS Genomic Medicine Service
Classification: Pathogenic for Inherited breast cancer and ovarian cancer. Last evaluated: 2026-09-03. Review status: criteria provided, single submitter. Criteria: ACGS Best Practice Guidelines for Variant Classification in Rare Disease 2020. Collection method: clinical testing. Allele origin: germline. Affected: yes.
Comment: PVS1,PM2_Supporting,PM5_Supporting

3billion
Classification: Pathogenic for Ataxia-telangiectasia syndrome. Last evaluated: 2026-01-23. Review status: criteria provided, single submitter. Criteria: ACMG Guidelines, 2015. Collection method: clinical testing. Allele origin: germline. Affected: yes.
Comment: The variant is observed at an extremely low frequency in the gnomAD v4.1.0 dataset (total allele frequency: <0.001%). Predicted Consequence/Location: Stop-gained (nonsense): predicted to result in a loss or disruption of normal protein function through nonsense-mediated decay (NMD) or protein truncation. Multiple pathogenic variants are reported downstream of the variant. The variant has been reported at least twice as pathogenic with clinical assertions and evidence for the classification (ClinVar ID: VCV000220550 /PMID: 10330348 /3billion dataset). Therefore, this variant is classified as Pathogenic according to the recommendation of ACMG/AMP guideline.

Labcorp Genetics (formerly Invitae), Labcorp
Classification: Pathogenic for Ataxia-telangiectasia syndrome. Last evaluated: 2026-01-21. Review status: criteria provided, single submitter. Criteria: Invitae Variant Classification Sherloc (09022015). Collection method: clinical testing. Allele origin: germline.
Comment: This sequence change creates a premature translational stop signal (p.Asp2569*) in the ATM gene. It is expected to result in an absent or disrupted protein product. Loss-of-function variants in ATM are known to be pathogenic (PMID: 23807571, 25614872). This variant is present in population databases (rs759965045, gnomAD 0.01%). This premature translational stop signal has been observed in individual(s) with ataxia-telangiectasia (PMID: 10330348, 10817650, 12815592). This variant is also known as 7705delGA and 7704_7705delAG. ClinVar contains an entry for this variant (Variation ID: 220550). RNA analysis performed to evaluate the impact of this premature translational stop signal on mRNA splicing indicates it does not significantly alter splicing (internal data). For these reasons, this variant has been classified as Pathogenic.

Ambry Genetics
Classification: Pathogenic for Hereditary cancer-predisposing syndrome. Last evaluated: 2025-10-29. Review status: criteria provided, single submitter. Criteria: Ambry Variant Classification Scheme 2023. Collection method: clinical testing. Allele origin: germline.
Comment: The c.7705_7706delGA pathogenic mutation, located in coding exon 51 of the ATM gene, results from a deletion of two nucleotides at nucleotide positions 7705 to 7706, causing a translational frameshift with a predicted alternate stop codon (p.D2569*). This mutation has been identified in multiple families affected with ataxia-telangiectasia (A-T) (Li A and Swift M. Am. J. Med. Genet. 2000 May;92:170-7; Mitui M et al. Hum. Mutat. 2003 Jul;22:43-50). This mutation was also detected during the analysis of 49 cell lines derived from individuals with A-T (Teraoka S et al. Am J Hum Genet. 1999 Jun;64(6):1617-31). In addition to the clinical data presented in the literature, this alteration is expected to result in loss of function by premature protein truncation or nonsense-mediated mRNA decay. As such, this alteration is interpreted as a disease-causing mutation.

Natera, Inc.
Classification: Likely pathogenic for Ataxia-telangiectasia. Last evaluated: 2025-04-04. Review status: criteria provided, single submitter. Criteria: Natera Variant Classification Schema (03/2026). Collection method: clinical testing. Allele origin: germline.
Comment: The c.7705_7706delGA variant in ATM is a frameshift variant predicted to shift the reading frame and introduce a stop codon. This variant is expected to result in nonsense mediated decay, truncation, or a dysfunctional protein product. This variant is rare in the general population with a frequency below the threshold expected for the associated phenotype(s). Given the available evidence, this variant is classified as Likely Pathogenic.

Color Diagnostics, LLC DBA Color Health
Classification: Pathogenic for Hereditary cancer-predisposing syndrome. Last evaluated: 2025-02-03. Review status: criteria provided, single submitter. Criteria: ACMG Guidelines, 2015. Collection method: clinical testing. Allele origin: germline.
Comment: This variant deletes 2 nucleotides in exon 52 of the ATM gene, creating a premature translation stop signal. This variant is expected to result in an absent or non-functional protein product. This variant has been reported in individuals affected with pancreatic cancer (PMID: 34506673) and gastric cancer (PMID: 29025585). This variant has also been reported in individuals affected with ataxia-telangiectasia (PMID: 10330348, 10817650, 12815592). This variant has been identified in 5/251176 chromosomes in the general population by the Genome Aggregation Database (gnomAD). Loss of ATM function is a known mechanism of disease. Based on the available evidence, this variant is classified as Pathogenic.

Myriad Genetics, Inc.
Classification: Pathogenic for Familial cancer of breast. Last evaluated: 2024-01-31. Review status: criteria provided, single submitter. Criteria: Myriad Autosomal Dominant, Autosomal Recessive and X-Linked Classification Criteria (2023). Collection method: clinical testing. Allele origin: unknown.
Comment: This variant is considered pathogenic. This variant creates a termination codon and is predicted to result in premature protein truncation.

Fulgent Genetics
Classification: Pathogenic for Familial cancer of breast; Ataxia-telangiectasia syndrome. Last evaluated: 2024-01-22. Review status: criteria provided, single submitter. Criteria: ACMG Guidelines, 2015. Collection method: clinical testing. Allele origin: germline.

Baylor Genetics
Classification: Pathogenic for Familial cancer of breast. Last evaluated: 2024-01-20. Review status: criteria provided, single submitter. Criteria: ACMG Guidelines, 2015. Collection method: clinical testing. Allele origin: unknown.

CHEO Genetics Diagnostic Laboratory, Children's Hospital of Eastern Ontario
Classification: Pathogenic for Breast and/or ovarian cancer. Last evaluated: 2023-02-08. Review status: criteria provided, single submitter. Criteria: ACMG Guidelines, 2015. Collection method: clinical testing. Allele origin: germline.

GeneDx
Classification: Pathogenic. Last evaluated: 2022-08-08. Review status: criteria provided, single submitter. Criteria: GeneDx Variant Classification Process June 2021. Collection method: clinical testing. Allele origin: germline. Affected: yes.
Comment: Observed in the heterozygous state in individuals with a personal or family history of cancer consistent with pathogenic variants in this gene referred for genetic testing at GeneDx and in published literature (Quezada Urban et al., 2018; Lu et al., 2019); Observed with another pathogenic variant in ATM in unrelated patients with ataxia telangiectasia in published literature; however, it is not known whether the variants occurred on the same (in cis) or on different (in trans) chromosomes (Li et al., 2000; Mitui et al., 2003); Nonsense variant predicted to result in protein truncation or nonsense mediated decay in a gene for which loss-of-function is a known mechanism of disease; Not observed at significant frequency in large population cohorts (gnomAD); This variant is associated with the following publications: (PMID: 29025585, 10330348, 10817650, 12815592, 30128536, 30262796, 29625052, 26689913, 28888541, 29922827, 34871783, 34506673)

NM_000051.4(ATM):c.7705_7706del (p.Arg2568_Asp2569insTer)

Genes: ATM (ATM serine/threonine kinase; plus strand), C11orf65 (chromosome 11 open reading frame 65; minus strand). Cytogenetic location: 11q22.3.
Variant type: Microsatellite.
Coding change: c.7705_7706del on transcript NM_000051.4 (MANE Select); coding-DNA positions 7705 to 7706, 2 bases deleted (GA; older notation c.7705_7706delGA).
Protein change: p.Arg2568_Asp2569insTer.
Molecular consequence: nonsense. On other transcripts: frameshift variant (3), intron variant (2).
Genome position (GRCh38, 1-based): chr11:108,331,954-108,331,955, GA deleted; deleting any 2 consecutive bases within chr11:108,331,951-108,331,955 gives the same sequence; the c. name uses the placement nearest the transcript's 3' end. VCF-style (leftmost placement, unchanged base first): chr11-108331950-CAG-C. GRCh37 (hg19) VCF-style: chr11-108202677-CAG-C.
Other names: c.7705_7706delGA (NM_000051.3); c.7705_7706del (NM_000051.3); c.7702_7703delAG (NM_000051.3); c.7705_7706del, p.Arg2568_Asp2569insTer (NM_001351834.2); c.641-22881_641-22880del (NM_001330368.2); c.*38+3268_*38+3269del (NM_001351110.2).
Identifiers: ClinVar variation 220550 (VCV000220550.50), dbSNP rs759965045, ClinGen allele CA334724.